The following is an entry in ClinVar:

NM_020066.5(FMN2):c.3117G>A (p.Ala1039=)

Gene: FMN2 (formin 2; plus strand). Cytogenetic location: 1q43.
Variant type: single nucleotide variant.
Coding change: c.3117G>A on transcript NM_020066.5 (MANE Select); coding-DNA position 3117, G replaced by A.
Protein change: p.Ala1039=; no amino-acid change (alanine 1039 retained).
Molecular consequence: synonymous variant. On other transcripts: intron variant (1).
Genome position (GRCh38, 1-based): chr1:240,207,929, G>A. VCF-style: chr1-240207929-G-A. GRCh37 (hg19) VCF-style: chr1-240371229-G-A.
Other names: c.3129G>A, p.Ala1043= (NM_001305424.2); c.1986+19667G>A (NM_001348094.2).
Identifiers: ClinVar variation 4872500 (VCV004872500.2).

ClinVar aggregate classification (germline): Likely benign (1 of 4 stars; one submission).

Submission:

CeGaT Center for Human Genetics Tuebingen
Classification: Likely benign. Last evaluated: 2026-04-01. Review status: criteria provided, single submitter. Criteria: CeGaT Center For Human Genetics Tuebingen Variant Classification Criteria Version 2. Collection method: clinical testing. Allele origin: germline. Affected: yes. Observed: 1 variant allele.
Comment: FMN2: PM2:Supporting, BP4, BP7